The following is an entry in ClinVar:

ClinVar aggregate classification (germline): Uncertain significance. Review status: criteria provided, multiple submitters, no conflicts (2 of 4 stars). 2 submissions from 2 submitters: Uncertain significance (2). Last evaluated 2025-10-14.

Conditions:
Exostoses, multiple, type 2 (EXT2). Also called: Hereditary Multiple Osteochondromatosis, Type II; EXOSTOSES, MULTIPLE, TYPE II. Identifiers: Orphanet 321, MedGen C1851413, MONDO:0007586, OMIM 133701.
Inborn genetic diseases. Identifiers: MedGen C0950123, MeSH D030342.

Allele frequency attached by ClinVar (database versions not stated): gnomAD exomes below 0.00001; gnomAD 0.00001.
gnomAD v4.1: 4 of 1,614,098 alleles (0.00025%); highest among the groups gnomAD compares: African/African-American, 0.0027%; no homozygotes.

Submissions (2):

Labcorp Genetics (formerly Invitae), Labcorp
Classification: Uncertain significance for Exostoses, multiple, type 2. Last evaluated: 2025-10-14. Review status: criteria provided, single submitter. Criteria: Invitae Variant Classification Sherloc (09022015). Collection method: clinical testing. Allele origin: germline.
Comment: This sequence change replaces valine, which is neutral and non-polar, with isoleucine, which is neutral and non-polar, at codon 330 of the EXT2 protein (p.Val330Ile). This variant is not present in population databases (gnomAD no frequency). This variant has not been reported in the literature in individuals affected with EXT2-related conditions. ClinVar contains an entry for this variant (Variation ID: 2058684). Invitae Evidence Modeling of protein sequence and biophysical properties (such as structural, functional, and spatial information, amino acid conservation, physicochemical variation, residue mobility, and thermodynamic stability) indicates that this missense variant is not expected to disrupt EXT2 protein function with a negative predictive value of 95%. In summary, the available evidence is currently insufficient to determine the role of this variant in disease. Therefore, it has been classified as a Variant of Uncertain Significance.

Ambry Genetics
Classification: Uncertain significance for Inborn genetic diseases. Last evaluated: 2025-04-08. Review status: criteria provided, single submitter. Criteria: Ambry Variant Classification Scheme 2023. Collection method: clinical testing. Allele origin: germline.

NM_207122.2(EXT2):c.988G>A (p.Val330Ile)

Gene: EXT2 (exostosin glycosyltransferase 2; plus strand). Cytogenetic location: 11p11.2.
Variant type: single nucleotide variant.
Coding change: c.988G>A on transcript NM_207122.2 (MANE Select); coding-DNA position 988, G replaced by A.
Protein change: p.Val330Ile; replaces valine 330 with isoleucine.
Molecular consequence: missense variant.
Genome position (GRCh38, 1-based): chr11:44,126,864, G>A. VCF-style: chr11-44126864-G-A. GRCh37 (hg19) VCF-style: chr11-44148414-G-A.
Other names: c.1087G>A, p.Val363Ile (NM_000401.3); c.988G>A, p.Val330Ile (NM_001178083.3, NM_001389628.1, NM_001389630.1); short protein forms V363I, V330I.
Identifiers: ClinVar variation 2058684 (VCV002058684.6), dbSNP rs1317963489, ClinGen allele CA380168890.
Genomic context (GRCh38, chr11:44,126,864, plus strand): 5'-GTGTTCCTGCAGGAGGCTACTTTCTGTGTGGTTCTTCGTGGAGCTCGGCTGGGCCAGGCA[G>A]TATTGAGCGATGTGTTACAAGCTGGCTGTGTCCCGGTTGTCATTGCAGACTCCTATATTT-3'
Protein context (NP_997005.1, residues 320-340): VLRGARLGQA[Val330Ile]LSDVLQAGCV